The following is an entry in ClinVar:

NM_001166108.2(PALLD):c.2077G>C (p.Asp693His)

Gene: PALLD (palladin, cytoskeletal associated protein; plus strand). Cytogenetic location: 4q32.3.
Variant type: single nucleotide variant.
Coding change: c.2077G>C on transcript NM_001166108.2 (MANE Select); coding-DNA position 2077, G replaced by C.
Protein change: p.Asp693His; replaces aspartic acid 693 with histidine.
Molecular consequence: missense variant. On other transcripts: 5 prime UTR variant (4).
Genome position (GRCh38, 1-based): chr4:168,891,034, G>C. VCF-style: chr4-168891034-G-C. GRCh37 (hg19) VCF-style: chr4-169812185-G-C.
Other names: c.931G>C, p.Asp311His (NM_001166109.2); c.616G>C, p.Asp206His (NM_001166110.2); c.-45G>C (NM_001367567.1, NM_001367568.1, NM_001367569.1 and 1 more transcripts); c.2077G>C, p.Asp693His (NM_016081.4); short protein forms D311H, D206H, D693H.
Identifiers: ClinVar variation 4564185 (VCV004564185.1).
Genomic context (GRCh38, chr4:168,891,034, plus strand): 5'-ATTCAAGGCACAAAGGATGCTGTTATTCAAGACCTGGAACGAAAACTTCGCTTCAAGGAG[G>C]ACCTCCTGAACAATGGCCAGCCGGTACTGATAGATTTGGGACCTGGACTTGGAATGTTAG-3'
Protein context (NP_001159580.1, residues 683-703): DLERKLRFKE[Asp693His]LLNNGQPRLT

ClinVar aggregate classification (germline): Uncertain significance (1 of 4 stars; one submission).

Submission:

Ambry Genetics
Classification: Uncertain significance. Last evaluated: 2025-11-20. Review status: criteria provided, single submitter. Criteria: Ambry Variant Classification Scheme 2023. Collection method: clinical testing. Allele origin: germline.
Comment: The p.D206H variant (also known as c.616G>C), located in coding exon 2 of the PALLD gene, results from a G to C substitution at nucleotide position 616. The aspartic acid at codon 206 is replaced by histidine, an amino acid with similar properties. This amino acid position is conserved. In addition, the in silico prediction for this alteration is inconclusive. Based on the available evidence, the clinical significance of this variant remains unclear.